The following is an entry in ClinVar:

ClinVar aggregate classification (germline): Uncertain significance. Review status: reviewed by expert panel (3 of 4 stars). 5 submissions from 5 submitters: Uncertain significance (1). 4 of the submissions do not count toward it. Last evaluated 2026-01-06.

Conditions:
Global developmental delay - lung cysts - overgrowth - Wilms tumor syndrome. Also called: GLOBAL DEVELOPMENTAL DELAY, LUNG CYSTS, OVERGROWTH, AND WILMS TUMOR; GLOW Syndrome. Identifiers: Orphanet 404476, MedGen C4748924, MONDO:0018445, OMIM 618272.
Hereditary cancer-predisposing syndrome. Also called: Neoplastic Syndromes, Hereditary; Hereditary neoplastic syndrome; Hereditary Cancer Syndrome; Tumor predisposition. Identifiers: Orphanet 140162, MedGen C0027672, MeSH D009386, MONDO:0015356.
DICER1-related tumor predisposition. Also called: DICER1 syndrome; DICER1-related pleuropulmonary blastoma cancer predisposition syndrome. Identifiers: Orphanet 284343, MedGen C3839822, MONDO:0100216.

Submissions (5):

ClinGen DICER1 and miRNA-Processing Gene Variant Curation Expert Panel, ClinGen
Classification: Uncertain significance for DICER1-related tumor predisposition. Last evaluated: 2026-01-06. Review status: reviewed by expert panel. Criteria: ClinGen DICER1 ACMG Specifications DICER1 V1.4.0. Collection method: curation. Allele origin: germline. Inheritance: Autosomal dominant inheritance.
Comment: The NM_177438.3:c.2437-3A>G variant in DICER1 is an intronic variant occurring in intron 15. Although this variant has been observed in individuals undergoing genetic sequencing, to our knowledge, this variant has not been reported in individuals with DICER1-related tumor predisposition (PS4 not met; Internal lab contributors). This variant is absent from gnomAD v4.1.0 (PM2_Supporting). The splice site predictors MaxEntScan and SpliceAI indicate that the variant impacts splicing, evidence that correlates with impact to DICER1 function (PP3). In summary, this variant meets the criteria to be classified as Uncertain Significance for DICER1 syndrome based on the ACMG/AMP criteria applied, as specified by the ClinGen DICER1 VCEP: PM2_Supporting, BP4. (Bayesian Points: 2; VCEP specifications version 1.4.0; 01/06/2026).

Labcorp Genetics (formerly Invitae), Labcorp
Classification: Uncertain significance for DICER1-related tumor predisposition. Last evaluated: 2024-06-16. Review status: criteria provided, single submitter. Criteria: Invitae Variant Classification Sherloc (09022015). Collection method: clinical testing. Allele origin: germline. Not counted in ClinVar's aggregate classification.
Comment: This sequence change falls in intron 15 of the DICER1 gene. It does not directly change the encoded amino acid sequence of the DICER1 protein. It affects a nucleotide within the consensus splice site. This variant is not present in population databases (gnomAD no frequency). This variant has not been reported in the literature in individuals affected with DICER1-related conditions. ClinVar contains an entry for this variant (Variation ID: 657274). Variants that disrupt the consensus splice site are a relatively common cause of aberrant splicing (PMID: 17576681, 9536098). Algorithms developed to predict the effect of sequence changes on RNA splicing suggest that this variant may disrupt the consensus splice site. In summary, the available evidence is currently insufficient to determine the role of this variant in disease. Therefore, it has been classified as a Variant of Uncertain Significance.

Baylor Genetics
Classification: Uncertain significance for Global developmental delay - lung cysts - overgrowth - Wilms tumor syndrome. Last evaluated: 2023-09-03. Review status: criteria provided, single submitter. Criteria: ACMG Guidelines, 2015. Collection method: clinical testing. Allele origin: unknown. Not counted in ClinVar's aggregate classification.

Ambry Genetics
Classification: Uncertain significance for Hereditary cancer-predisposing syndrome. Last evaluated: 2023-08-25. Review status: criteria provided, single submitter. Criteria: Ambry Variant Classification Scheme 2023. Collection method: clinical testing. Allele origin: germline. Not counted in ClinVar's aggregate classification.
Comment: The c.2437-3A>G intronic variant results from an A to G substitution 3 nucleotides upstream from coding exon 15 in the DICER1 gene. This nucleotide position is not well conserved in available vertebrate species. In silico splice site analysis predicts that this alteration may weaken the native splice acceptor site; however, direct evidence is insufficient at this time (Ambry internal data). Since supporting evidence is limited at this time, the clinical significance of this alteration remains unclear.

Sema4
Classification: Uncertain significance for Hereditary cancer-predisposing syndrome. Last evaluated: 2022-03-08. Review status: criteria provided, single submitter. Criteria: Sema4 Curation Guidelines. Collection method: curation. Allele origin: germline. Not counted in ClinVar's aggregate classification.
Comment: The DICER1 c.2437-3A>G variant has not been reported in the literature to our knowledge. This variant is not reported in the population database Genome Aggregation Database (PMID: 32461654). This variant has been reported in ClinVar (Variation ID: 657274). In silico tools suggest that the variant might affect RNA splicing by weakening the acceptor site in intron 15, though these predictions have not been confirmed by functional studies. The evidence is insufficient to meet ACMG/AMP criteria for classifying the variant as benign or pathogenic. Thus, the clinical significance of this variant is currently uncertain.

Literature cited by the submitters: PubMed 17576681 (cited by Labcorp Genetics (formerly Invitae), Labcorp); PubMed 9536098 (cited by Labcorp Genetics (formerly Invitae), Labcorp).

NM_177438.3(DICER1):c.2437-3A>G

Gene: DICER1 (dicer 1, ribonuclease III; minus strand). Cytogenetic location: 14q32.13.
Variant type: single nucleotide variant.
Coding change: c.2437-3A>G on transcript NM_177438.3 (MANE Select); 3 bases into the intron before coding-DNA position 2437, A replaced by G.
Molecular consequence: intron variant.
Genome position (GRCh38, 1-based): chr14:95,108,096, T>C on the plus strand (A>G on the coding strand, the complement: DICER1 is on the minus strand). VCF-style: chr14-95108096-T-C. GRCh37 (hg19) VCF-style: chr14-95574433-T-C.
Other names: c.2437-3A>G (NM_001291628.2, NM_030621.4, NM_001271282.3 and 1 more transcripts).
Identifiers: ClinVar variation 657274 (VCV000657274.13), dbSNP rs1595380967, ClinGen allele CA915946387.